The following is an entry in ClinVar:

NM_000038.6(APC):c.130A>G (p.Met44Val)

Gene: APC (APC regulator of Wnt signaling pathway; plus strand). Cytogenetic location: 5q22.2.
Variant type: single nucleotide variant.
Coding change: c.130A>G on transcript NM_000038.6 (MANE Select); coding-DNA position 130, A replaced by G.
Protein change: p.Met44Val; replaces methionine 44 with valine.
Molecular consequence: missense variant. On other transcripts: 5 prime UTR variant (1), intron variant (8).
Genome position (GRCh38, 1-based): chr5:112,755,020, A>G. VCF-style: chr5-112755020-A-G. GRCh37 (hg19) VCF-style: chr5-112090717-A-G.
Other names: c.130A>G, p.Met44Val (NM_001127510.3, NM_001354895.2, NM_001354896.2 and 2 more transcripts); c.-906A>G (NM_001354906.2); c.166-11306A>G (NM_001354897.2, NM_001354902.2, NM_001127511.3); c.61-11306A>G (NM_001354898.2, NM_001354904.2); c.-42-11306A>G (NM_001354900.2, NM_001354901.2, NM_001354905.2); short protein forms M44V.
Identifiers: ClinVar variation 857489 (VCV000857489.13), dbSNP rs1424437002, ClinGen allele CA16021626.

ClinVar aggregate classification (germline): Uncertain significance. Review status: criteria provided, multiple submitters, no conflicts (2 of 4 stars). 3 submissions from 3 submitters: Uncertain significance (3). Last evaluated 2025-05-15.

Conditions:
Hereditary cancer-predisposing syndrome. Also called: Tumor predisposition; Hereditary neoplastic syndrome; Neoplastic Syndromes, Hereditary; Hereditary Cancer Syndrome. Identifiers: Orphanet 140162, MedGen C0027672, MeSH D009386, MONDO:0015356.
Familial adenomatous polyposis 1 (FAP1). Also called: FAMILIAL ADENOMATOUS POLYPOSIS 1, ATTENUATED; POLYPOSIS, ADENOMATOUS INTESTINAL. Identifiers: MedGen C2713442, MONDO:0021056, OMIM 175100. Disease mechanism: loss of function.

Allele frequency attached by ClinVar (database versions not stated): gnomAD 0.00001; TOPMed 0.00001; gnomAD exomes below 0.00001.
gnomAD v4.1: 3 of 1,613,498 alleles (0.00019%); highest among the groups gnomAD compares: African/African-American, 0.004%; no homozygotes.

Submissions (3):

GeneDx
Classification: Uncertain significance. Last evaluated: 2025-05-15. Review status: criteria provided, single submitter. Criteria: GeneDx Variant Classification Process June 2021. Collection method: clinical testing. Allele origin: germline. Affected: yes.
Comment: Not observed at significant frequency in large population cohorts (gnomAD); In silico analysis supports that this missense variant has a deleterious effect on protein structure/function; Has not been previously published as pathogenic or benign to our knowledge; This variant is associated with the following publications: (PMID: 18199528)

Ambry Genetics
Classification: Uncertain significance for Hereditary cancer-predisposing syndrome. Last evaluated: 2023-06-27. Review status: criteria provided, single submitter. Criteria: Ambry Variant Classification Scheme 2023. Collection method: clinical testing. Allele origin: germline.
Comment: The p.M44V variant (also known as c.130A>G), located in coding exon 1 of the APC gene, results from an A to G substitution at nucleotide position 130. The methionine at codon 44 is replaced by valine, an amino acid with highly similar properties. This amino acid position is highly conserved in available vertebrate species. In addition, in silico predictors for this gene do not accurately predict pathogenicity. Since supporting evidence is limited at this time, the clinical significance of this alteration remains unclear.

Labcorp Genetics (formerly Invitae), Labcorp
Classification: Uncertain significance for Familial adenomatous polyposis 1. Last evaluated: 2021-03-29. Review status: criteria provided, single submitter. Criteria: Invitae Variant Classification Sherloc (09022015). Collection method: clinical testing. Allele origin: germline.
Comment: This sequence change replaces methionine with valine at codon 44 of the APC protein (p.Met44Val). The methionine residue is highly conserved and there is a small physicochemical difference between methionine and valine. In summary, the available evidence is currently insufficient to determine the role of this variant in disease. Therefore, it has been classified as a Variant of Uncertain Significance. Algorithms developed to predict the effect of missense changes on protein structure and function (SIFT, PolyPhen-2, Align-GVGD) all suggest that this variant is likely to be tolerated, but these predictions have not been confirmed by published functional studies and their clinical significance is uncertain. This variant has not been reported in the literature in individuals with APC-related conditions. This variant is not present in population databases (ExAC no frequency).